The following is an entry in ClinVar:

ClinVar aggregate classification (germline): Likely benign (0 of 4 stars; one submission).

Conditions:
ISL1-related disorder. Also called: ISL1-related condition.

Submission:

PreventionGenetics, part of Exact Sciences
Classification: Likely benign for ISL1-related condition. Last evaluated: 2024-08-08. Review status: no assertion criteria provided. Collection method: clinical testing. Allele origin: germline.
Comment: This variant is classified as likely benign based on ACMG/AMP sequence variant interpretation guidelines (Richards et al. 2015 PMID: 25741868, with internal and published modifications).

NM_002202.3(ISL1):c.321T>C (p.Cys107=)

Gene: ISL1 (ISL LIM homeobox 1; plus strand). Cytogenetic location: 5q11.1.
Variant type: single nucleotide variant.
Coding change: c.321T>C on transcript NM_002202.3 (MANE Select); coding-DNA position 321, T replaced by C.
Protein change: p.Cys107=; no amino-acid change (cysteine 107 retained).
Molecular consequence: synonymous variant.
Genome position (GRCh38, 1-based): chr5:51,387,592, T>C. VCF-style: chr5-51387592-T-C. GRCh37 (hg19) VCF-style: chr5-50683426-T-C.
Identifiers: ClinVar variation 3357080 (VCV003357080.1).